The following is an entry in ClinVar:

NM_004820.5(CYP7B1):c.792del (p.Gln265fs)

Gene: CYP7B1 (cytochrome P450 family 7 subfamily B member 1; minus strand). Cytogenetic location: 8q12.3.
Variant type: Deletion.
Coding change: c.792del on transcript NM_004820.5 (MANE Select); coding-DNA position 792, one base deleted (T; older notation c.792delT).
Protein change: p.Gln265fs; shifts the reading frame from glutamine 265.
Molecular consequence: frameshift variant.
Genome position (GRCh38, 1-based): chr8:64,615,749, A deleted on the plus strand (T on the coding strand, the reverse complement: CYP7B1 is on the minus strand); the first of 5 consecutive A bases (chr8:64,615,749-64,615,753); deleting any one gives the same sequence. VCF-style (leftmost placement, unchanged base first): chr8-64615748-GA-G. GRCh37 (hg19) VCF-style: chr8-65528305-GA-G.
Other names: c.792del, p.Gln265fs (NM_001324112.2); short protein forms Q265fs.
Identifiers: ClinVar variation 2789092 (VCV002789092.3), dbSNP rs2487190152, ClinGen allele CA2687454662.

ClinVar aggregate classification (germline): Pathogenic (1 of 4 stars; one submission).

Conditions:
Spastic paraplegia. Identifiers: MedGen C0037772, HP:0001258.

Submission:

Labcorp Genetics (formerly Invitae), Labcorp
Classification: Pathogenic for Spastic paraplegia. Last evaluated: 2023-10-16. Review status: criteria provided, single submitter. Criteria: Invitae Variant Classification Sherloc (09022015). Collection method: clinical testing. Allele origin: germline.
Comment: This sequence change creates a premature translational stop signal (p.Gln265Lysfs*18) in the CYP7B1 gene. It is expected to result in an absent or disrupted protein product. Loss-of-function variants in CYP7B1 are known to be pathogenic (PMID: 9802883, 19363635, 19439420, 21541746, 21567895, 28039895). This variant is not present in population databases (gnomAD no frequency). This variant has not been reported in the literature in individuals affected with CYP7B1-related conditions. For these reasons, this variant has been classified as Pathogenic.

Literature cited by the submitters: PubMed 9802883; PubMed 19363635; PubMed 19439420; PubMed 21541746; PubMed 21567895; PubMed 28039895.